The following is an entry in ClinVar:

ClinVar aggregate classification (germline): Uncertain significance. Review status: criteria provided, multiple submitters, no conflicts (2 of 4 stars). 2 submissions from 2 submitters: Uncertain significance (2). Last evaluated 2024-01-18.

Conditions:
Central core myopathy (CMYO1A). Also called: CONGENITAL MYOPATHY 1A, AUTOSOMAL DOMINANT, WITH SUSCEPTIBILITY TO MALIGNANT HYPERTHERMIA; Central core disease; Myopathy, central fibrillar. Identifiers: Orphanet 597, MedGen C5830701, MONDO:0007294, OMIM 117000.
King Denborough syndrome (KDS). Identifiers: MedGen C1840365, MONDO:0020485, OMIM 619542.
Malignant hyperthermia, susceptibility to, 1 (MHS1). Also called: Malignant hyperthermia suceptibility 1; RYR1-Related Malignant Hyperthermia Susceptibility; Anesthesia related hyperthermia; Malignant hyperpyrexia; Fulminating hyperpyrexia; Pharmacogenic myopathy. Identifiers: Orphanet 423, MedGen C2930980, MONDO:0007783, OMIM 145600.
Congenital multicore myopathy with external ophthalmoplegia (CMYO1B). Also called: Minicore myopathy with external ophthalmoplegia; MULTIMINICORE DISEASE WITH EXTERNAL OPHTHALMOPLEGIA; Congenital myopathy 1B, autosomal recessive; Minicore myopathy; MULTICORE MYOPATHY. Identifiers: Orphanet 598, Orphanet 98905, MedGen C1850674, MONDO:0009712, OMIM 255320, HP:0003789.
RYR1-related disorder. Also called: RYR1-related disorders; RYR1-related condition. Identifiers: MedGen CN239331.

Allele frequency attached by ClinVar (database versions not stated): gnomAD exomes below 0.00001 and 0.00001; TOPMed below 0.00001; ExAC 0.00001.

Submissions (2):

Fulgent Genetics
Classification: Uncertain significance for Central core myopathy; Malignant hyperthermia, susceptibility to, 1; Congenital multicore myopathy with external ophthalmoplegia; King Denborough syndrome. Last evaluated: 2024-01-18. Review status: criteria provided, single submitter. Criteria: ACMG Guidelines, 2015. Collection method: clinical testing. Allele origin: germline.

Labcorp Genetics (formerly Invitae), Labcorp
Classification: Uncertain significance for RYR1-related disorder. Last evaluated: 2021-08-27. Review status: criteria provided, single submitter. Criteria: Invitae Variant Classification Sherloc (09022015). Collection method: clinical testing. Allele origin: germline.
Comment: This sequence change replaces valine with isoleucine at codon 3579 of the RYR1 protein (p.Val3579Ile). The valine residue is weakly conserved and there is a small physicochemical difference between valine and isoleucine. This variant is present in population databases (rs764650501, ExAC 0.002%). This variant has not been reported in the literature in individuals affected with RYR1-related conditions. Algorithms developed to predict the effect of missense changes on protein structure and function (SIFT, PolyPhen-2, Align-GVGD) all suggest that this variant is likely to be tolerated. In summary, the available evidence is currently insufficient to determine the role of this variant in disease. Therefore, it has been classified as a Variant of Uncertain Significance.

NM_000540.3(RYR1):c.10735G>A (p.Val3579Ile)

Gene: RYR1 (ryanodine receptor 1; plus strand). Cytogenetic location: 19q13.2.
Variant type: single nucleotide variant.
Coding change: c.10735G>A on transcript NM_000540.3 (MANE Select); coding-DNA position 10735, G replaced by A.
Protein change: p.Val3579Ile; replaces valine 3579 with isoleucine.
Molecular consequence: missense variant.
Genome position (GRCh38, 1-based): chr19:38,527,695, G>A. VCF-style: chr19-38527695-G-A. GRCh37 (hg19) VCF-style: chr19-39018335-G-A.
Other names: c.10720G>A, p.Val3574Ile (NM_001042723.2); short protein forms V3579I, V3574I.
Identifiers: ClinVar variation 579435 (VCV000579435.7), dbSNP rs764650501, ClinGen allele CA054575.